The following is an entry in ClinVar:

ClinVar aggregate classification (germline): Uncertain significance (1 of 4 stars; one submission).

Submission:

Dasa
Classification: Uncertain significance. Last evaluated: 2025-01-21. Review status: criteria provided, single submitter. Criteria: DASA Assertion Criteria. Collection method: clinical testing. Allele origin: germline.
Comment: NM_022455.5(NSD1):c.7069G>C (p.Ala2357Pro) is a missense variant that results in the substitution of alanine with proline. This variant is absent from population databases. The currently available literature and clinical evidence are not sufficient to establish a definitive association between this variant and the reported condition. Therefore, this variant is classified as a variant of uncertain significance.

NM_022455.5(NSD1):c.7069G>C (p.Ala2357Pro)

Gene: NSD1 (nuclear receptor binding SET domain protein 1; plus strand). Cytogenetic location: 5q35.3.
Variant type: single nucleotide variant.
Coding change: c.7069G>C on transcript NM_022455.5 (MANE Select); coding-DNA position 7069, G replaced by C.
Protein change: p.Ala2357Pro; replaces alanine 2357 with proline.
Molecular consequence: missense variant.
Genome position (GRCh38, 1-based): chr5:177,294,437, G>C. VCF-style: chr5-177294437-G-C. GRCh37 (hg19) VCF-style: chr5-176721438-G-C.
Other names: c.6196G>C, p.Ala2066Pro (NM_001365684.2, NM_001409308.1, NM_172349.5); c.7069G>C, p.Ala2357Pro (NM_001409301.1, NM_001409302.1, NM_001409303.1); c.6649G>C, p.Ala2217Pro (NM_001409304.1); c.6316G>C, p.Ala2106Pro (NM_001409305.1); c.6307G>C, p.Ala2103Pro (NM_001409306.1, NM_001409307.1); c.5947G>C, p.Ala1983Pro (NM_001409309.1); short protein forms A1983P, A2066P, A2103P, A2106P, A2217P, A2357P.
Identifiers: ClinVar variation 4884912 (VCV004884912.2).